The following is an entry in ClinVar:

NM_014055.4(IFT81):c.1141A>G (p.Asn381Asp)

Gene: IFT81 (intraflagellar transport 81; plus strand). Cytogenetic location: 12q24.11.
Variant type: single nucleotide variant.
Coding change: c.1141A>G on transcript NM_014055.4 (MANE Select); coding-DNA position 1141, A replaced by G.
Protein change: p.Asn381Asp; replaces asparagine 381 with aspartic acid.
Molecular consequence: missense variant. On other transcripts: non-coding transcript variant (4).
Genome position (GRCh38, 1-based): chr12:110,163,018, A>G. VCF-style: chr12-110163018-A-G. GRCh37 (hg19) VCF-style: chr12-110600823-A-G.
Other names: c.1141A>G, p.Asn381Asp (NM_001143779.2, NM_001347946.2, NM_031473.4); c.211A>G, p.Asn71Asp (NM_001347947.2, NM_001347948.2); c.1141A>G (NM_014055.3); short protein forms N381D, N71D.
Identifiers: ClinVar variation 1062360 (VCV001062360.8), dbSNP rs149494898, ClinGen allele CA243928023.

ClinVar aggregate classification (germline): Uncertain significance. Review status: criteria provided, multiple submitters, no conflicts (2 of 4 stars). 2 submissions from 2 submitters: Uncertain significance (2). Last evaluated 2025-08-15.

Conditions:
Inborn genetic diseases. Identifiers: MedGen C0950123, MeSH D030342.

Allele frequency attached by ClinVar (database versions not stated): gnomAD 0.00001; gnomAD exomes 0.00001; ESP Exome Variant Server 0.00008.

Submissions (2):

Ambry Genetics
Classification: Uncertain significance for Inborn genetic diseases. Last evaluated: 2025-08-15. Review status: criteria provided, single submitter. Criteria: Ambry Variant Classification Scheme 2023. Collection method: clinical testing. Allele origin: germline.

Labcorp Genetics (formerly Invitae), Labcorp
Classification: Uncertain significance. Last evaluated: 2022-07-05. Review status: criteria provided, single submitter. Criteria: Invitae Variant Classification Sherloc (09022015). Collection method: clinical testing. Allele origin: germline.
Comment: In summary, the available evidence is currently insufficient to determine the role of this variant in disease. Therefore, it has been classified as a Variant of Uncertain Significance. Algorithms developed to predict the effect of missense changes on protein structure and function (SIFT, PolyPhen-2, Align-GVGD) all suggest that this variant is likely to be tolerated. ClinVar contains an entry for this variant (Variation ID: 1062360). This variant has not been reported in the literature in individuals affected with IFT81-related conditions. This variant is present in population databases (rs149494898, gnomAD 0.0009%). This sequence change replaces asparagine, which is neutral and polar, with aspartic acid, which is acidic and polar, at codon 381 of the IFT81 protein (p.Asn381Asp).